The following is an entry in ClinVar:

ClinVar aggregate classification (germline): Uncertain significance (1 of 4 stars; one submission).

Allele frequency attached by ClinVar (database versions not stated): TOPMed below 0.00001.
gnomAD v4.1: 3 of 1,614,190 alleles (0.00019%); highest among the groups gnomAD compares: Non-Finnish European, 0.00025%; no homozygotes.

Submission:

GeneDx
Classification: Uncertain significance. Last evaluated: 2022-04-06. Review status: criteria provided, single submitter. Criteria: GeneDx Variant Classification Process June 2021. Collection method: clinical testing. Allele origin: germline. Affected: yes.
Comment: Not observed at significant frequency in large population cohorts (gnomAD); In silico analysis supports that this missense variant does not alter protein structure/function; Has not been previously published as pathogenic or benign to our knowledge

NM_001136472.2(LITAF):c.249C>A (p.His83Gln)

Gene: LITAF (lipopolysaccharide induced TNF factor; minus strand). Cytogenetic location: 16p13.13.
Variant type: single nucleotide variant.
Coding change: c.249C>A on transcript NM_001136472.2 (MANE Select); coding-DNA position 249, C replaced by A.
Protein change: p.His83Gln; replaces histidine 83 with glutamine.
Molecular consequence: missense variant. On other transcripts: non-coding transcript variant (1).
Genome position (GRCh38, 1-based): chr16:11,553,661, G>T on the plus strand (C>A on the coding strand, the complement: LITAF is on the minus strand). VCF-style: chr16-11553661-G-T. GRCh37 (hg19) VCF-style: chr16-11647517-G-T.
Other names: c.249C>A, p.His83Gln (NM_001136473.1, NM_004862.4); short protein forms H83Q.
Identifiers: ClinVar variation 1708914 (VCV001708914.2), dbSNP rs2064219565, ClinGen allele CA394765926.